The following is an entry in ClinVar:

NM_004991.4(MECOM):c.1637C>G (p.Ser546Cys)

Gene: MECOM (MDS1 and EVI1 complex locus; minus strand). Cytogenetic location: 3q26.2.
Variant type: single nucleotide variant.
Coding change: c.1637C>G on transcript NM_004991.4 (MANE Select); coding-DNA position 1637, C replaced by G.
Protein change: p.Ser546Cys; replaces serine 546 with cysteine.
Molecular consequence: missense variant. On other transcripts: intron variant (2).
Genome position (GRCh38, 1-based): chr3:169,116,235, G>C on the plus strand (C>G on the coding strand, the complement: MECOM is on the minus strand). VCF-style: chr3-169116235-G-C. GRCh37 (hg19) VCF-style: chr3-168834023-G-C.
Other names: c.1268C>G, p.Ser423Cys (NM_001105077.4); c.1073C>G, p.Ser358Cys (NM_001105078.4, NM_001164000.2, NM_001205194.2 and 4 more transcripts); c.1076C>G, p.Ser359Cys (NM_001163999.2, NM_001366467.2, NM_001366468.2 and 1 more transcripts); c.1637C>G, p.Ser546Cys (NM_001366466.2); c.1133-468C>G (NM_001366473.2); c.569-468C>G (NM_001366474.2); short protein forms S546C, S358C, S359C, S423C.
Identifiers: ClinVar variation 5024110 (VCV005024110.1).
Genomic context (GRCh38, chr3:169,116,235, plus strand): 5'-TCAGAGGACCTCTCGGGCTGGAGCTCCACTGGCTTATTGTCCCCTACAGATGGGTGTTTA[G>C]ATAGTGCCTTCAAAATATCCTGTGTAGCTGGCAGTATCTGAGGATGTGTCATGAGGGGAC-3'
Protein context (NP_004982.2, residues 536-556): PATQDILKAL[Ser546Cys]KHPSVGDNKP

ClinVar aggregate classification (germline): Uncertain significance (1 of 4 stars; one submission).

Conditions:
Inborn genetic diseases. Identifiers: MedGen C0950123, MeSH D030342.

Submission:

Ambry Genetics
Classification: Uncertain significance for Inborn genetic diseases. Last evaluated: 2026-06-18. Review status: criteria provided, single submitter. Criteria: Ambry Variant Classification Scheme 2023. Collection method: clinical testing. Allele origin: germline.
Comment: The p.S546C variant (also known as c.1637C>G), located in coding exon 8 of the MECOM gene, results from a C to G substitution at nucleotide position 1637. The serine at codon 546 is replaced by cysteine, an amino acid with dissimilar properties. This amino acid position is conserved. In addition, this alteration is predicted to be tolerated by in silico analysis. Based on the available evidence, the clinical significance of this variant remains unclear.